The following is an entry in ClinVar:

ClinVar aggregate classification (germline): Uncertain significance (1 of 4 stars; one submission).

gnomAD v4.1: 1 of 1,601,356 alleles (0.000062%); highest among the groups gnomAD compares: Non-Finnish European, 0.000085%; no homozygotes.

Submission:

Women's Health and Genetics/Laboratory Corporation of America, LabCorp
Classification: Uncertain significance. Last evaluated: 2026-05-29. Review status: criteria provided, single submitter. Criteria: LabCorp Variant Classification Summary - May 2015. Collection method: clinical testing. Allele origin: germline.
Comment: Variant summary: TNXB c.5902+6A>G alters a conserved nucleotide located close to a canonical splice site and therefore could affect mRNA splicing, leading to a significantly altered protein sequence. Consensus agreement among computation tools predict no significant impact on normal splicing. However, these predictions have yet to be confirmed by functional studies. The variant was absent in 239214 control chromosomes. The available data on variant occurrences in the general population are insufficient to allow any conclusion about variant significance. To our knowledge, no occurrence of c.5902+6A>G in individuals affected with TNXB-related conditions and no experimental evidence demonstrating its impact on protein function have been reported. No submitters have cited clinical-significance assessments for this variant to ClinVar. Based on the evidence outlined above, the variant was classified as uncertain significance.

NM_001365276.2(TNXB):c.5902+6A>G

Gene: TNXB (tenascin XB; minus strand). Cytogenetic location: 6p21.33.
Variant type: single nucleotide variant.
Coding change: c.5902+6A>G on transcript NM_001365276.2 (MANE Select); 6 bases into the intron after coding-DNA position 5902, A replaced by G.
Molecular consequence: intron variant.
Genome position (GRCh38, 1-based): chr6:32,068,816, T>C on the plus strand (A>G on the coding strand, the complement: TNXB is on the minus strand). VCF-style: chr6-32068816-T-C. GRCh37 (hg19) VCF-style: chr6-32036593-T-C.
Other names: c.5902+6A>G (NM_019105.8); c.6643+6A>G (NM_001428335.1).
Identifiers: ClinVar variation 4853736 (VCV004853736.1).